The following is an entry in ClinVar:

ClinVar aggregate classification (germline): Likely benign. Review status: criteria provided, single submitter (1 of 4 stars). 2 submissions from 2 submitters: Likely benign (1). 1 of the submissions does not count toward it. Last evaluated 2023-02-01.

Conditions:
PTPRS-related disorder. Also called: PTPRS-related condition.

Allele frequency attached by ClinVar (database versions not stated): 1000 Genomes Project 30x 0.00094; TOPMed 0.00116; 1000 Genomes Project 0.00120; ESP Exome Variant Server 0.00131; gnomAD 0.00208; gnomAD exomes 0.00256; ExAC 0.00343.

Submissions (2):

CeGaT Center for Human Genetics Tuebingen
Classification: Likely benign. Last evaluated: 2023-02-01. Review status: criteria provided, single submitter. Criteria: CeGaT Center For Human Genetics Tuebingen Variant Classification Criteria Version 2. Collection method: clinical testing. Allele origin: germline. Affected: yes. Observed: 2 variant alleles.
Comment: PTPRS: BP4, BP7

PreventionGenetics, part of Exact Sciences
Classification: Benign for PTPRS-related condition. Last evaluated: 2019-07-24. Review status: no assertion criteria provided. Collection method: clinical testing. Allele origin: germline. Not counted in ClinVar's aggregate classification.
Comment: This variant is classified as benign based on ACMG/AMP sequence variant interpretation guidelines (Richards et al. 2015 PMID: 25741868, with internal and published modifications).

NM_002850.4(PTPRS):c.1506C>T (p.Leu502=)

Gene: PTPRS (protein tyrosine phosphatase receptor type S; minus strand). Cytogenetic location: 19p13.3.
Variant type: single nucleotide variant.
Coding change: c.1506C>T on transcript NM_002850.4 (MANE Select); coding-DNA position 1506, C replaced by T.
Protein change: p.Leu502=; no amino-acid change (leucine 502 retained).
Molecular consequence: synonymous variant.
Genome position (GRCh38, 1-based): chr19:5,243,965, G>A on the plus strand (C>T on the coding strand, the complement: PTPRS is on the minus strand). VCF-style: chr19-5243965-G-A. GRCh37 (hg19) VCF-style: chr19-5243976-G-A.
Other names: c.1467C>T, p.Leu489= (NM_001394011.1, NM_001394012.1, NM_001394013.1 and 2 more transcripts); c.1479C>T, p.Leu493= (NM_130855.3); c.1506C>T (NM_002850.3).
Identifiers: ClinVar variation 2649113 (VCV002649113.25), dbSNP rs61729781, ClinGen allele CA9110346.
Genomic context (GRCh38, chr19:5,243,965, plus strand): 5'-CTGCTGCGTCTTGACCTGGATGGGGTCCGAGAGGGGCCCGTCGCCGACGGAGGTGAAGGC[G>A]AGCACCCGCACGGTGTAGGTCTCGTCCTCCAGCAGGCTGCCCACGGTGGTCAGCAGGCTG-3'
Protein context (NP_002841.3, residues 492-512): LEDETYTVRV[Leu502=]AFTSVGDGPL